The following is an entry in ClinVar:

ClinVar aggregate classification (germline): Likely benign (1 of 4 stars; one submission).

Allele frequency attached by ClinVar (database versions not stated): gnomAD exomes 0.00045; TOPMed 0.00458; gnomAD 0.00471 and 0.00501; 1000 Genomes Project 0.00679; 1000 Genomes Project 30x 0.00781.
gnomAD v4.1: 1,187 of 1,098,154 alleles (0.11%); highest among the groups gnomAD compares: African/African-American, 1.6%; 10 homozygotes.

Submission:

GeneDx
Classification: Likely benign. Last evaluated: 2018-06-16. Review status: criteria provided, single submitter. Criteria: GeneDx Variant Classification (06012015). Collection method: clinical testing. Allele origin: germline. Affected: yes.
Comment: This variant is considered likely benign or benign based on one or more of the following criteria: it is a conservative change, it occurs at a poorly conserved position in the protein, it is predicted to be benign by multiple in silico algorithms, and/or has population frequency not consistent with disease.

NM_000540.3(RYR1):c.5547+145A>G

Gene: RYR1 (ryanodine receptor 1; plus strand). Cytogenetic location: 19q13.2.
Variant type: single nucleotide variant.
Coding change: c.5547+145A>G on transcript NM_000540.3 (MANE Select); 145 bases into the intron after coding-DNA position 5547, A replaced by G.
Molecular consequence: intron variant.
Genome position (GRCh38, 1-based): chr19:38,486,347, A>G. VCF-style: chr19-38486347-A-G. GRCh37 (hg19) VCF-style: chr19-38976987-A-G.
Other names: c.5547+145A>G (NM_001042723.2).
Identifiers: ClinVar variation 679976 (VCV000679976.1), dbSNP rs116279285, ClinGen allele CA308094187.